The following is an entry in ClinVar:

ClinVar aggregate classification (germline): Conflicting classifications of pathogenicity. Review status: criteria provided, conflicting classifications (1 of 4 stars). 5 submissions from 5 submitters: Uncertain significance (4); Likely benign (1). Last evaluated 2024-03-07.

Conditions:
Autosomal recessive limb-girdle muscular dystrophy type 2P. Also called: MUSCULAR DYSTROPHY-DYSTROGLYCANOPATHY, LIMB-GIRDLE, DAG1-RELATED; Limb-Girdle Muscular Dystrophy Type 9C; MUSCULAR DYSTROPHY, LIMB-GIRDLE, TYPE 2P. Identifiers: Orphanet 280333, MedGen C4511963, MONDO:0013440, OMIM 613818.
Muscular dystrophy-dystroglycanopathy (congenital with brain and eye anomalies), type A9. Also called: WALKER-WARBURG SYNDROME OR MUSCLE-EYE BRAIN DISEASE, DAG1-RELATED; Muscular dystrophy-dystroglycanopathy (congenital with brain and eye anomalies), type a, 9. Identifiers: Orphanet 370997, Orphanet 899, MedGen C4225291, MONDO:0014683, OMIM 616538.

Allele frequency attached by ClinVar (database versions not stated): gnomAD 0.00006 and 0.00011; gnomAD exomes 0.00014; TOPMed 0.00014; ExAC 0.00017; 1000 Genomes Project 0.00060; 1000 Genomes Project 30x 0.00062.
gnomAD v4.1: 93 of 1,614,164 alleles (0.0058%); highest among the groups gnomAD compares: East Asian, 0.12%; 1 homozygote.

Submissions (5):

Blueprint Genetics
Classification: Uncertain significance. Last evaluated: 2024-03-07. Review status: criteria provided, single submitter. Criteria: ACMG Guidelines, 2015. Collection method: clinical testing. Allele origin: germline.

Labcorp Genetics (formerly Invitae), Labcorp
Classification: Uncertain significance for Autosomal recessive limb-girdle muscular dystrophy type 2P; Muscular dystrophy-dystroglycanopathy (congenital with brain and eye anomalies), type A9. Last evaluated: 2022-07-25. Review status: criteria provided, single submitter. Criteria: Invitae Variant Classification Sherloc (09022015). Collection method: clinical testing. Allele origin: germline.
Comment: This sequence change replaces leucine, which is neutral and non-polar, with isoleucine, which is neutral and non-polar, at codon 564 of the DAG1 protein (p.Leu564Ile). This variant is present in population databases (rs199894361, gnomAD 0.2%). This variant has not been reported in the literature in individuals affected with DAG1-related conditions. ClinVar contains an entry for this variant (Variation ID: 283248). Algorithms developed to predict the effect of missense changes on protein structure and function (SIFT, PolyPhen-2, Align-GVGD) all suggest that this variant is likely to be tolerated. In summary, the available evidence is currently insufficient to determine the role of this variant in disease. Therefore, it has been classified as a Variant of Uncertain Significance.

GeneDx
Classification: Likely benign. Last evaluated: 2019-04-09. Review status: criteria provided, single submitter. Criteria: GeneDx Variant Classification Process June 2021. Collection method: clinical testing. Allele origin: germline. Affected: yes.

Athena Diagnostics
Classification: Uncertain significance. Last evaluated: 2017-02-20. Review status: criteria provided, single submitter. Criteria: Athena Diagnostics Criteria. Collection method: clinical testing. Allele origin: germline.

Eurofins Ntd Llc (ga)
Classification: Uncertain significance. Last evaluated: 2015-09-10. Review status: criteria provided, single submitter. Criteria: EGL Classification Definitions 2015. Collection method: clinical testing. Allele origin: germline. Observed: 2 variant alleles, 2 heterozygotes.

NM_004393.6(DAG1):c.1690C>A (p.Leu564Ile)

Gene: DAG1 (dystroglycan 1; plus strand). Cytogenetic location: 3p21.31.
Variant type: single nucleotide variant.
Coding change: c.1690C>A on transcript NM_004393.6 (MANE Select); coding-DNA position 1690, C replaced by A.
Protein change: p.Leu564Ile; replaces leucine 564 with isoleucine.
Molecular consequence: missense variant.
Genome position (GRCh38, 1-based): chr3:49,532,201, C>A. VCF-style: chr3-49532201-C-A. GRCh37 (hg19) VCF-style: chr3-49569634-C-A.
Other names: c.1690C>A, p.Leu564Ile (NM_001165928.4, NM_001177634.3, NM_001177635.3 and 9 more transcripts); short protein forms L564I.
Identifiers: ClinVar variation 283248 (VCV000283248.12), dbSNP rs199894361, ClinGen allele CA2399120.